The following is an entry in ClinVar:

NM_000217.3(KCNA1):c.1311T>G (p.Ser437=)

Gene: KCNA1 (potassium voltage-gated channel subfamily A member 1; plus strand). Cytogenetic location: 12p13.32.
Variant type: single nucleotide variant.
Coding change: c.1311T>G on transcript NM_000217.3 (MANE Select); coding-DNA position 1311, T replaced by G.
Protein change: p.Ser437=; no amino-acid change (serine 437 retained).
Molecular consequence: synonymous variant.
Genome position (GRCh38, 1-based): chr12:4,912,689, T>G. VCF-style: chr12-4912689-T-G. GRCh37 (hg19) VCF-style: chr12-5021855-T-G.
Identifiers: ClinVar variation 586088 (VCV000586088.5), dbSNP rs1565433583, ClinGen allele CA478094645.

ClinVar aggregate classification (germline): Conflicting classifications of pathogenicity. Review status: criteria provided, conflicting classifications (1 of 4 stars). 2 submissions from 2 submitters: Uncertain significance (1); Likely benign (1). Last evaluated 2023-10-06.

Conditions:
Episodic ataxia type 1 (EA1). Also called: ATAXIA, EPISODIC, WITH MYOKYMIA; PAROXYSMAL ATAXIA WITH NEUROMYOTONIA, HEREDITARY; MYOKYMIA WITH PERIODIC ATAXIA; Episodic ataxia/myokymia syndrome. Identifiers: Orphanet 37612, Orphanet 972, MedGen C1719788, MONDO:0008047, OMIM 160120.

Allele frequency attached by ClinVar (database versions not stated): gnomAD 0.00001; gnomAD exomes 0.00001.

Submissions (2):

Athena Diagnostics
Classification: Uncertain significance. Last evaluated: 2023-10-06. Review status: criteria provided, single submitter. Criteria: Athena Diagnostics Criteria. Collection method: clinical testing. Allele origin: unknown.
Comment: Available data are insufficient to determine the clinical significance of the variant at this time. The frequency of this variant in the general population is uninformative in assessment of its pathogenicity. Computational tools yielded predictions that this variant is unlikely to have an effect on normal RNA splicing.

Labcorp Genetics (formerly Invitae), Labcorp
Classification: Likely benign for Episodic ataxia type 1. Last evaluated: 2023-09-06. Review status: criteria provided, single submitter. Criteria: Invitae Variant Classification Sherloc (09022015). Collection method: clinical testing. Allele origin: germline.